The following is an entry in ClinVar:

NM_021008.4(DEAF1):c.332A>G (p.Asp111Gly)

Gene: DEAF1 (DEAF1 transcription factor; minus strand). Cytogenetic location: 11p15.5.
Variant type: single nucleotide variant.
Coding change: c.332A>G on transcript NM_021008.4 (MANE Select); coding-DNA position 332, A replaced by G.
Protein change: p.Asp111Gly; replaces aspartic acid 111 with glycine.
Molecular consequence: missense variant. On other transcripts: 5 prime UTR variant (1).
Genome position (GRCh38, 1-based): chr11:691,556, T>C on the plus strand (A>G on the coding strand, the complement: DEAF1 is on the minus strand). VCF-style: chr11-691556-T-C. GRCh37 (hg19) VCF-style: chr11-691556-T-C.
Other names: c.332A>G, p.Asp111Gly (NM_001293634.2); c.-395A>G (NM_001367390.1); short protein forms D111G.
Identifiers: ClinVar variation 2062199 (VCV002062199.5), dbSNP rs1860835409, ClinGen allele CA378937876.

ClinVar aggregate classification (germline): Uncertain significance. Review status: criteria provided, multiple submitters, no conflicts (2 of 4 stars). 2 submissions from 2 submitters: Uncertain significance (2). Last evaluated 2024-02-23.

Allele frequency attached by ClinVar (database versions not stated): gnomAD exomes below 0.00001.
gnomAD v4.1: 2 of 1,613,832 alleles (0.00012%); highest among the groups gnomAD compares: Non-Finnish European, 0.00017%; no homozygotes.

Submissions (2):

Labcorp Genetics (formerly Invitae), Labcorp
Classification: Uncertain significance. Last evaluated: 2024-02-23. Review status: criteria provided, single submitter. Criteria: Invitae Variant Classification Sherloc (09022015). Collection method: clinical testing. Allele origin: germline.
Comment: This sequence change replaces aspartic acid, which is acidic and polar, with glycine, which is neutral and non-polar, at codon 111 of the DEAF1 protein (p.Asp111Gly). This variant is not present in population databases (gnomAD no frequency). This variant has not been reported in the literature in individuals affected with DEAF1-related conditions. ClinVar contains an entry for this variant (Variation ID: 2062199). Advanced modeling of protein sequence and biophysical properties (such as structural, functional, and spatial information, amino acid conservation, physicochemical variation, residue mobility, and thermodynamic stability) has been performed at Invitae for this missense variant, however the output from this modeling did not meet the statistical confidence thresholds required to predict the impact of this variant on DEAF1 protein function. In summary, the available evidence is currently insufficient to determine the role of this variant in disease. Therefore, it has been classified as a Variant of Uncertain Significance.

Blueprint Genetics
Classification: Uncertain significance. Last evaluated: 2020-03-26. Review status: criteria provided, single submitter. Criteria: ACMG Guidelines, 2015. Collection method: clinical testing. Allele origin: germline.